The following is an entry in ClinVar:

ClinVar aggregate classification (germline): Pathogenic (1 of 4 stars; one submission).

Conditions:
CEP290-related ciliopathy. Also called: CEP290 ciliopathy. Identifiers: MedGen CN305601, MONDO:0100451.

Submission:

Myriad Genetics, Inc.
Classification: Pathogenic for CEP290-related ciliopathy. Last evaluated: 2026-02-08. Review status: criteria provided, single submitter. Criteria: Myriad Autosomal Dominant, Autosomal Recessive and X-Linked Classification Criteria (2023). Collection method: clinical testing. Allele origin: unknown.
Comment: NM_025114.3(CEP290):c.649delC(Q217Nfs*9) is expected to be pathogenic in the context of CEP290-related disorders. This variant is predicted to lead to an abnormal or absent protein product due to the creation of a premature termination codon in CEP290, a gene where loss-of-function variants are known to be pathogenic. Please note: this variant was assessed in the context of healthy population screening.

NM_025114.4(CEP290):c.649del (p.Gln217fs)

Gene: CEP290 (centrosomal protein 290; minus strand). Cytogenetic location: 12q21.32.
Variant type: Deletion.
Coding change: c.649del on transcript NM_025114.4 (MANE Select); coding-DNA position 649, one base deleted (C; older notation c.649delC).
Protein change: p.Gln217fs; shifts the reading frame from glutamine 217.
Molecular consequence: frameshift variant.
Genome position (GRCh38, 1-based): chr12:88,130,288, G deleted on the plus strand (C on the coding strand, the reverse complement: CEP290 is on the minus strand); the first of 2 consecutive G bases (chr12:88,130,288-88,130,289); deleting either gives the same sequence. VCF-style (leftmost placement, unchanged base first): chr12-88130287-TG-T. GRCh37 (hg19) VCF-style: chr12-88524064-TG-T.
Other names: short protein forms Q217fs.
Identifiers: ClinVar variation 5015527 (VCV005015527.1).